The following is an entry in ClinVar:

ClinVar aggregate classification (germline): Likely pathogenic (1 of 4 stars; one submission).

Allele frequency attached by ClinVar (database versions not stated): gnomAD 0.00001.
gnomAD v4.1: 1 of 1,613,904 alleles (0.000062%); highest among the groups gnomAD compares: African/African-American, 0.0013%; no homozygotes.

Submission:

GeneDx
Classification: Likely pathogenic. Last evaluated: 2013-12-27. Review status: criteria provided, single submitter. Criteria: GeneDx Variant Classification (06012015). Collection method: clinical testing. Allele origin: germline. Affected: yes.
Comment: p.Leu274Pro (CTC>CCC): c.821 T>C in exon 6 of the SMAD3 gene (NM_005902.3). The L274P variant in the SMAD3 gene has not been reported as a disease-causing mutation nor as a benign polymorphism to our knowledge. L274P was not observed in approximately 6500 individuals of European and African American ancestry in the NHLBI Exome Sequencing Project, indicating it is not a common benign variant in these populations. L274P is a semi-conservative amino acid substitution as these residues share similar properties, but differ in size, charge, or other properties which may impact secondary structure. The L274 residue is highly conserved across species and consequently, in silico analysis predicts L274P is damaging to the protein structure/function. Furthermore, mutations in nearby residues (P263L, R279K) have been reported in association with aneurysms-osteoarthritis syndrome and TAAD, respectively, supporting the functional importance of this region of the protein. With the clinical and molecular information available at this time, we cannot definitively determine if L274P is a disease-causing mutation or a rare benign variant. This variant was found in TAAD

NM_005902.4(SMAD3):c.821T>C (p.Leu274Pro)

Gene: SMAD3 (SMAD family member 3; plus strand). Cytogenetic location: 15q22.33.
Variant type: single nucleotide variant.
Coding change: c.821T>C on transcript NM_005902.4 (MANE Select); coding-DNA position 821, T replaced by C.
Protein change: p.Leu274Pro; replaces leucine 274 with proline.
Molecular consequence: missense variant.
Genome position (GRCh38, 1-based): chr15:67,181,403, T>C. VCF-style: chr15-67181403-T-C. GRCh37 (hg19) VCF-style: chr15-67473741-T-C.
Other names: p.L274P:CTC>CCC; c.506T>C, p.Leu169Pro (NM_001145102.2); c.689T>C, p.Leu230Pro (NM_001145103.2); c.236T>C, p.Leu79Pro (NM_001145104.2); short protein forms L274P, L169P, L230P, L79P.
Identifiers: ClinVar variation 213767 (VCV000213767.2), dbSNP rs863223741, ClinGen allele CA323399.